The following is an entry in ClinVar:

ClinVar aggregate classification (germline): Conflicting classifications of pathogenicity. Review status: criteria provided, conflicting classifications (1 of 4 stars). 9 submissions from 9 submitters: Uncertain significance (1); Benign (1); Likely benign (4). 3 of the submissions do not count toward it. Last evaluated 2026-01-15.

Conditions:
TCOF1-related disorder. Also called: TCOF1-related condition.
Inborn genetic diseases. Identifiers: MedGen C0950123, MeSH D030342.
Treacher Collins syndrome 1 (TCS1). Also called: TCOF1-Related Treacher Collins Syndrome. Identifiers: Orphanet 861, MedGen CN315775, MONDO:0007944, OMIM 154500.

Allele frequency attached by ClinVar (database versions not stated): 1000 Genomes Project 0.00220; TOPMed 0.00235; gnomAD 0.00248 and 0.00260; 1000 Genomes Project 30x 0.00250; gnomAD exomes 0.00265; ExAC 0.00293.
gnomAD v4.1: 4,588 of 1,614,044 alleles (0.28%); highest among the groups gnomAD compares: Middle Eastern, 1.4%; 14 homozygotes.

Submissions (9):

Labcorp Genetics (formerly Invitae), Labcorp
Classification: Benign for Treacher Collins syndrome 1. Last evaluated: 2026-01-15. Review status: criteria provided, single submitter. Criteria: Invitae Variant Classification Sherloc (09022015). Collection method: clinical testing. Allele origin: germline.

CeGaT Center for Human Genetics Tuebingen
Classification: Likely benign. Last evaluated: 2025-09-01. Review status: criteria provided, single submitter. Criteria: CeGaT Center For Human Genetics Tuebingen Variant Classification Criteria Version 2. Collection method: clinical testing. Allele origin: germline. Affected: yes. Observed: 6 variant alleles.
Comment: TCOF1: BP4, BS1

Blueprint Genetics
Classification: Likely benign. Last evaluated: 2024-11-22. Review status: criteria provided, single submitter. Criteria: ACMG Guidelines, 2015. Collection method: clinical testing. Allele origin: germline.

Ambry Genetics
Classification: Likely benign for Inborn genetic diseases. Last evaluated: 2024-05-06. Review status: criteria provided, single submitter. Criteria: Ambry Variant Classification Scheme 2023. Collection method: clinical testing. Allele origin: germline.

Mayo Clinic Laboratories, Mayo Clinic
Classification: Uncertain significance. Last evaluated: 2022-04-04. Review status: criteria provided, single submitter. Criteria: ACMG Guidelines, 2015. Collection method: clinical testing. Allele origin: germline. Observed: 3 variant alleles.
Comment: BS1

Breakthrough Genomics
Classification: Likely benign. Review status: criteria provided, single submitter. Criteria: ACMG Guidelines, 2015. Collection method: not provided. Allele origin: germline. Inheritance: Autosomal dominant inheritance. Affected: yes.

PreventionGenetics, part of Exact Sciences
Classification: Benign for TCOF1-related condition. Last evaluated: 2019-11-19. Review status: no assertion criteria provided. Collection method: clinical testing. Allele origin: germline. Not counted in ClinVar's aggregate classification.
Comment: This variant is classified as benign based on ACMG/AMP sequence variant interpretation guidelines (Richards et al. 2015 PMID: 25741868, with internal and published modifications).

Clinical Genetics DNA and cytogenetics Diagnostics Lab, Erasmus MC, Erasmus Medical Center
Classification: Likely benign. Review status: no assertion criteria provided. Collection method: clinical testing. Allele origin: germline. Affected: yes. Study: VKGL Data-share Consensus. Not counted in ClinVar's aggregate classification.

Laboratory of Diagnostic Genome Analysis, Leiden University Medical Center (LUMC)
Classification: Likely benign. Review status: no assertion criteria provided. Collection method: clinical testing. Allele origin: germline. Affected: yes. Study: VKGL Data-share Consensus. Not counted in ClinVar's aggregate classification.

NM_001371623.1(TCOF1):c.295G>A (p.Ala99Thr)

Gene: TCOF1 (treacle ribosome biogenesis factor 1; plus strand). Cytogenetic location: 5q32.
Variant type: single nucleotide variant.
Coding change: c.295G>A on transcript NM_001371623.1 (MANE Select); coding-DNA position 295, G replaced by A.
Protein change: p.Ala99Thr; replaces alanine 99 with threonine.
Molecular consequence: missense variant.
Genome position (GRCh38, 1-based): chr5:150,364,243, G>A. VCF-style: chr5-150364243-G-A. GRCh37 (hg19) VCF-style: chr5-149743806-G-A.
Other names: p.Ala99Thr; c.295G>A, p.Ala99Thr (NM_000356.4, NM_001008657.3, NM_001135243.2 and 3 more transcripts); short protein forms A99T.
Identifiers: ClinVar variation 257551 (VCV000257551.46), dbSNP rs112332762, ClinGen allele CA3510511.